The following is an entry in ClinVar:

NM_031407.7(HUWE1):c.11363A>C (p.Gln3788Pro)

Gene: HUWE1 (HECT, UBA and WWE domain containing E3 ubiquitin protein ligase 1; minus strand). Cytogenetic location: Xp11.22.
Variant type: single nucleotide variant.
Coding change: c.11363A>C on transcript NM_031407.7 (MANE Select); coding-DNA position 11363, A replaced by C.
Protein change: p.Gln3788Pro; replaces glutamine 3788 with proline.
Molecular consequence: missense variant. On other transcripts: intron variant (7).
Genome position (GRCh38, 1-based): chrX:53,543,857, T>G on the plus strand (A>C on the coding strand, the complement: HUWE1 is on the minus strand). VCF-style: chrX-53543857-T-G. GRCh37 (hg19) VCF-style: chrX-53570818-T-G.
Other names: c.11363A>C, p.Gln3788Pro (NM_001441057.1); c.11331+29A>C (NM_001441048.1, NM_001441053.1, NM_001441058.1); c.11334+29A>C (NM_001441049.1, NM_001441054.1); c.11355+29A>C (NM_001441050.1, NM_001441055.1); c.11360A>C, p.Gln3787Pro (NM_001441051.1, NM_001441056.1); c.10961A>C, p.Gln3654Pro (NM_001441052.1); short protein forms Q3654P, Q3787P, Q3788P.
Identifiers: ClinVar variation 5037319 (VCV005037319.1).
Genomic context (GRCh38, chrX:53,543,857, plus strand): 5'-AGTGGAGAGACAAATGAATGAGGGGCCACAGGCATCATGCTAACCGTTGCTGCTTGTTGC[T>G]GTCTCCGCGCCCTTTGACCCTCACGTACCATTTGTATAATGGCATCAGCCTCAGCCTCCA-3'
Protein context (NP_113584.3, residues 3778-3798): MVREGQRARR[Gln3788Pro]QQAATSESSQ

ClinVar aggregate classification (germline): Uncertain significance (1 of 4 stars; one submission).

Submission:

GeneDx
Classification: Uncertain significance. Last evaluated: 2026-04-16. Review status: criteria provided, single submitter. Criteria: GeneDx Variant Classification Process June 2021. Collection method: clinical testing. Allele origin: germline.
Comment: Not observed at significant frequency in large population cohorts (gnomAD); In silico analysis suggests that this missense variant does not alter protein structure/function; Has not been previously published as pathogenic or benign to our knowledge